The following is an entry in ClinVar:

ClinVar aggregate classification (germline): Uncertain significance. Review status: criteria provided, multiple submitters, no conflicts (2 of 4 stars). 2 submissions from 2 submitters: Uncertain significance (2). Last evaluated 2023-06-28.

Conditions:
Emery-Dreifuss muscular dystrophy 4, autosomal dominant (EDMD4). Also called: EMERY-DREIFUSS MUSCULAR DYSTROPHY 4 WITH VARIABLE FEATURES. Identifiers: Orphanet 261, MedGen C2751807, MONDO:0013071, OMIM 612998.
Autosomal recessive ataxia, Beauce type. Also called: SYNE1-Related Autosomal Recessive Cerebellar Ataxia; SYNE1 Deficiency; Spinocerebellar ataxia, autosomal recessive 8; ATAXIA, RECESSIVE, OF BEAUCE. Identifiers: Orphanet 88644, MedGen C1853116, MONDO:0012549, OMIM 610743.

Allele frequency attached by ClinVar (database versions not stated): gnomAD exomes below 0.00001.
gnomAD v4.1: 4 of 1,614,156 alleles (0.00025%); highest among the groups gnomAD compares: Non-Finnish European, 0.00034%; no homozygotes.

Submissions (2):

GeneDx
Classification: Uncertain significance. Last evaluated: 2023-06-28. Review status: criteria provided, single submitter. Criteria: GeneDx Variant Classification Process June 2021. Collection method: clinical testing. Allele origin: germline. Affected: yes.
Comment: Not observed at significant frequency in large population cohorts (gnomAD); In silico analysis supports that this missense variant does not alter protein structure/function; Has not been previously published as pathogenic or benign to our knowledge

Labcorp Genetics (formerly Invitae), Labcorp
Classification: Uncertain significance for Emery-Dreifuss muscular dystrophy 4, autosomal dominant; Autosomal recessive ataxia, Beauce type. Last evaluated: 2022-03-21. Review status: criteria provided, single submitter. Criteria: Invitae Variant Classification Sherloc (09022015). Collection method: clinical testing. Allele origin: germline.
Comment: This sequence change replaces asparagine, which is neutral and polar, with histidine, which is basic and polar, at codon 4156 of the SYNE1 protein (p.Asn4156His). This variant is not present in population databases (gnomAD no frequency). This variant has not been reported in the literature in individuals affected with SYNE1-related conditions. Algorithms developed to predict the effect of missense changes on protein structure and function output the following: SIFT: "Deleterious"; PolyPhen-2: "Benign"; Align-GVGD: "Class C0". The histidine amino acid residue is found in multiple mammalian species, which suggests that this missense change does not adversely affect protein function. In summary, the available evidence is currently insufficient to determine the role of this variant in disease. Therefore, it has been classified as a Variant of Uncertain Significance.

NM_182961.4(SYNE1):c.12679A>C (p.Asn4227His)

Gene: SYNE1 (spectrin repeat containing nuclear envelope protein 1; minus strand). Cytogenetic location: 6q25.2.
Variant type: single nucleotide variant.
Coding change: c.12679A>C on transcript NM_182961.4 (MANE Select); coding-DNA position 12679, A replaced by C.
Protein change: p.Asn4227His; replaces asparagine 4227 with histidine.
Molecular consequence: missense variant.
Genome position (GRCh38, 1-based): chr6:152,334,123, T>G on the plus strand (A>C on the coding strand, the complement: SYNE1 is on the minus strand). VCF-style: chr6-152334123-T-G. GRCh37 (hg19) VCF-style: chr6-152655258-T-G.
Other names: c.12466A>C, p.Asn4156His (NM_033071.5); short protein forms N4156H, N4227H.
Identifiers: ClinVar variation 1918079 (VCV001918079.3), dbSNP rs2096319498, ClinGen allele CA366106122.